The following is an entry in ClinVar:

ClinVar aggregate classification (germline): Conflicting classifications of pathogenicity. Review status: criteria provided, conflicting classifications (1 of 4 stars). 8 submissions from 8 submitters: Uncertain significance (5); Benign (1); Likely benign (2). Last evaluated 2026-07-31.

Conditions:
Inborn genetic diseases. Identifiers: MedGen C0950123, MeSH D030342.
Pseudohypoaldosteronism type 2C (PHA2C). Also called: Pseudohypoaldosteronism Type IIC. Identifiers: Orphanet 757, Orphanet 88940, MedGen C1840391, MONDO:0013778, OMIM 614492.
Neuropathy, hereditary sensory and autonomic, type 2A (HSAN2A). Also called: MORVAN DISEASE; NEUROPATHY, CONGENITAL SENSORY; NEUROPATHY, HEREDITARY SENSORY RADICULAR, AUTOSOMAL RECESSIVE; NEUROPATHY, HEREDITARY SENSORY, TYPE IIA; NEUROPATHY, PROGRESSIVE SENSORY, OF CHILDREN; ACROOSTEOLYSIS, GIACCAI TYPE. Identifiers: Orphanet 970, MedGen C2752089, MONDO:0024309, OMIM 201300.
WNK1-related disorder. Also called: WNK1-related condition.

Allele frequency attached by ClinVar (database versions not stated): gnomAD 0.00013; ESP Exome Variant Server 0.00015; TOPMed 0.00019.
gnomAD v4.1: 411 of 1,614,106 alleles (0.025%); highest among the groups gnomAD compares: Non-Finnish European, 0.034%; no homozygotes.

Submissions (8):

PreventionGenetics, part of Exact Sciences
Classification: Uncertain significance for WNK1-related condition. Last evaluated: 2026-07-31. Review status: criteria provided, single submitter. Criteria: ACMG Guidelines, 2015. Collection method: clinical testing. Allele origin: germline.
Comment: The WNK1 c.3188C>T variant is predicted to result in the amino acid substitution p.Thr1063Ile. This variant was reported in the homozygous state in an individual in a genome cohort; however, the phenotype was not provided (Table S7, Stranneheim et al. 2021. PubMed ID: 33726816). This variant is reported in 0.034% of alleles in individuals of European (non-Finnish) descent in gnomAD. At this time, the clinical significance of this variant is uncertain due to the absence of conclusive functional and genetic evidence.

Labcorp Genetics (formerly Invitae), Labcorp
Classification: Likely benign for Neuropathy, hereditary sensory and autonomic, type 2A; Pseudohypoaldosteronism type 2C. Last evaluated: 2025-12-29. Review status: criteria provided, single submitter. Criteria: Invitae Variant Classification Sherloc (09022015). Collection method: clinical testing. Allele origin: germline.

CeGaT Center for Human Genetics Tuebingen
Classification: Uncertain significance. Last evaluated: 2025-12-01. Review status: criteria provided, single submitter. Criteria: CeGaT Center For Human Genetics Tuebingen Variant Classification Criteria Version 2. Collection method: clinical testing. Allele origin: germline. Affected: yes. Observed: 1 variant allele.
Comment: WNK1: PM2, BP4

Women's Health and Genetics/Laboratory Corporation of America, LabCorp
Classification: Uncertain significance. Last evaluated: 2025-04-16. Review status: criteria provided, single submitter. Criteria: LabCorp Variant Classification Summary - May 2015. Collection method: clinical testing. Allele origin: germline.
Comment: Variant summary: WNK1 c.3188C>T (p.Thr1063Ile) results in a non-conservative amino acid change in the encoded protein sequence. Four of five in-silico tools predict a benign effect of the variant on protein function. The variant allele was found at a frequency of 0.00017 in 251472 control chromosomes, predominantly at a frequency of 0.00035 within the Non-Finnish European subpopulation in the gnomAD database. This frequency is not significantly higher than estimated for a pathogenic variant in WNK1 causing Neuropathy, hereditary sensory and autonomic, type 2A (0.00017 vs 0.0011), allowing no conclusion about variant significance. c.3188C>T has been observed in a homozygous individual who underwent whole genome sequencing (WGS), however no phenotypic information was provided (Stranneheim_2021). These report(s) do not provide unequivocal conclusions about association of the variant with Neuropathy, hereditary sensory and autonomic, type 2A. To our knowledge, no experimental evidence demonstrating an impact on protein function has been reported. The following publication has been ascertained in the context of this evaluation (PMID: 33726816). ClinVar contains an entry for this variant (Variation ID: 310816). Based on the evidence outlined above, the variant was classified as uncertain significance.

Ambry Genetics
Classification: Likely benign for Inborn genetic diseases. Last evaluated: 2024-01-24. Review status: criteria provided, single submitter. Criteria: Ambry Variant Classification Scheme 2023. Collection method: clinical testing. Allele origin: germline.

Fulgent Genetics
Classification: Uncertain significance for Neuropathy, hereditary sensory and autonomic, type 2A; Pseudohypoaldosteronism type 2C. Last evaluated: 2024-01-14. Review status: criteria provided, single submitter. Criteria: ACMG Guidelines, 2015. Collection method: clinical testing. Allele origin: germline.

GeneDx
Classification: Uncertain significance. Last evaluated: 2023-07-27. Review status: criteria provided, single submitter. Criteria: GeneDx Variant Classification Process June 2021. Collection method: clinical testing. Allele origin: germline. Affected: yes.
Comment: In silico analysis supports that this missense variant has a deleterious effect on protein structure/function; This variant is associated with the following publications: (PMID: 33726816)

Illumina Laboratory Services, Illumina
Classification: Benign for Pseudohypoaldosteronism type 2C. Last evaluated: 2018-01-13. Review status: criteria provided, single submitter. Criteria: ICSL Variant Classification Criteria 13 December 2019. Collection method: clinical testing. Allele origin: germline.
Comment: This variant was observed in the ICSL laboratory as part of a predisposition screen in an ostensibly healthy population. It had not been previously curated by ICSL or reported in the Human Gene Mutation Database (HGMD: prior to June 1st, 2018), and was therefore a candidate for classification through an automated scoring system. Utilizing variant allele frequency, disease prevalence and penetrance estimates, and inheritance mode, an automated score was calculated to assess if this variant is too frequent to cause the disease. Based on the score and internal cut-off values, a variant classified as benign is not then subjected to further curation. The score for this variant resulted in a classification of benign for this disease.

Literature cited by the submitters: PubMed 33726816 (cited by Women's Health and Genetics/Laboratory Corporation of America, LabCorp).

NM_018979.4(WNK1):c.3188C>T (p.Thr1063Ile)

Gene: WNK1 (WNK lysine deficient protein kinase 1; plus strand). Cytogenetic location: 12p13.33.
Variant type: single nucleotide variant.
Coding change: c.3188C>T on transcript NM_018979.4 (MANE Select); coding-DNA position 3188, C replaced by T.
Protein change: p.Thr1063Ile; replaces threonine 1063 with isoleucine.
Molecular consequence: missense variant.
Genome position (GRCh38, 1-based): chr12:881,768, C>T. VCF-style: chr12-881768-C-T. GRCh37 (hg19) VCF-style: chr12-990934-C-T.
Other names: c.3968C>T, p.Thr1323Ile (NM_001184985.2); c.2447C>T, p.Thr816Ile (NM_014823.3); c.3944C>T, p.Thr1315Ile (NM_213655.5); short protein forms T1063I, T1315I, T1323I, T816I.
Identifiers: ClinVar variation 310816 (VCV000310816.28), dbSNP rs201379287, ClinGen allele CA6382686.
Genomic context (GRCh38, chr12:881,768, plus strand): 5'-CTCAGGTTGCTCCTGCAGAGCCAGTTGCAGTAGCACAGACCCAAGCTACCCAGCCGACCA[C>T]TTTGGCTTCCTCTGTAGACAGGTACGTAAAACTAGAATTCTCCTTCCTTGACTGGTAAAT-3'
Protein context (NP_061852.3, residues 1053-1073): VAQTQATQPT[Thr1063Ile]LASSVDSAHS